The following is an entry in ClinVar:

NM_001127222.2(CACNA1A):c.4281G>T (p.Glu1427Asp)

Gene: CACNA1A (calcium voltage-gated channel subunit alpha1 A; minus strand). Cytogenetic location: 19p13.13.
Variant type: single nucleotide variant.
Coding change: c.4281G>T on transcript NM_001127222.2 (MANE Select); coding-DNA position 4281, G replaced by T.
Protein change: p.Glu1427Asp; replaces glutamic acid 1427 with aspartic acid.
Molecular consequence: missense variant.
Genome position (GRCh38, 1-based): chr19:13,259,671, C>A on the plus strand (G>T on the coding strand, the complement: CACNA1A is on the minus strand). VCF-style: chr19-13259671-C-A. GRCh37 (hg19) VCF-style: chr19-13370485-C-A.
Other names: c.4293G>T, p.Glu1431Asp (NM_000068.4, NM_023035.3); c.4284G>T, p.Glu1428Asp (NM_001127221.2, NM_001174080.2); short protein forms E1428D, E1427D, E1431D.
Identifiers: ClinVar variation 421972 (VCV000421972.2), dbSNP rs768693060, ClinGen allele CA16620784.
Genomic context (GRCh38, chr19:13,259,671, plus strand): 5'-CCACAGCACATTGTCGTAATGGAATTCATACTTCTTCCACTCCCGGTCTCGCGCCTTCAC[C>A]TCATTCTTCTCGTAGAGGAGGTATTTGCCTCTGCCACAGAGAGTGGGGACTGTTAGTAAA-3'
Protein context (NP_001120694.1, residues 1417-1437): RGKYLLYEKN[Glu1427Asp]VKARDREWKK

ClinVar aggregate classification (germline): Uncertain significance (1 of 4 stars; one submission).

gnomAD v4.1: 1 of 1,611,294 alleles (0.000062%); highest among the groups gnomAD compares: Non-Finnish European, 0.000085%; no homozygotes.

Submission:

GeneDx
Classification: Uncertain significance. Last evaluated: 2017-08-17. Review status: criteria provided, single submitter. Criteria: GeneDx Variant Classification (06012015). Collection method: clinical testing. Allele origin: germline. Affected: yes.
Comment: A variant of uncertain significance has been identified in the CACNA1A gene. The E1428D variant has not been published as a pathogenic variant, nor has it been reported as a benign variant to our knowledge. It was not observed in approximately 6,100 individuals of European and African American ancestry in the NHLBI Exome Sequencing Project, indicating it is not a common benign variant in these population. This substitution occurs at a position that is conserved in mammals. However, the E1428D variant is a conservative amino acid substitution, which is not likely to impact secondary protein structure as these residues share similar properties. In silico analysis is inconsistent in its predictions as to whether or not the variant is damaging to the protein structure/function. Therefore, based on the currently available information, it is unclear whether this variant is a pathogenic variant or a rare benign variant.